The following is an entry in ClinVar:

NM_001282144.2(NLRX1):c.560G>A (p.Arg187Gln)

Gene: NLRX1 (NLR family member X1; plus strand). Cytogenetic location: 11q23.3.
Variant type: single nucleotide variant.
Coding change: c.560G>A on transcript NM_001282144.2 (MANE Select); coding-DNA position 560, G replaced by A.
Protein change: p.Arg187Gln; replaces arginine 187 with glutamine.
Molecular consequence: missense variant.
Genome position (GRCh38, 1-based): chr11:119,173,809, G>A. VCF-style: chr11-119173809-G-A. GRCh37 (hg19) VCF-style: chr11-119044518-G-A.
Other names: c.560G>A, p.Arg187Gln (NM_001282143.2, NM_001282358.2, NM_024618.4); short protein forms R187Q.
Identifiers: ClinVar variation 103145 (VCV000103145.2), dbSNP rs199476041, ClinGen allele CA230183.

ClinVar aggregate classification (germline): not provided (0 of 4 stars; one submission).

Allele frequency attached by ClinVar (database versions not stated): gnomAD exomes 0.00008 and 0.00030; gnomAD 0.00013; TOPMed 0.00022; ExAC 0.00023; 1000 Genomes Project 30x 0.00156; 1000 Genomes Project 0.00200.
gnomAD v4.1: 157 of 1,613,498 alleles (0.0097%); highest among the groups gnomAD compares: East Asian, 0.25%; 1 homozygote.

Submission:

Human Evolutionary Genetics, Institut Pasteur
No classification provided. Review status: no classification provided. Collection method: not provided. Allele origin: germline.
ClinVar note: Converted during submission from untested to not provided.